The following is an entry in ClinVar:

Conditions:
Breast-ovarian cancer, familial, susceptibility to, 1 (BROVCA1). Also called: BRCA1 Hereditary Breast and Ovarian Cancer; OVARIAN CANCER, SUSCEPTIBILITY TO. Identifiers: Orphanet 145, MedGen C2676676, MONDO:0011450, OMIM 604370. Disease mechanism: loss of function.

Submission:

Brotman Baty Institute, University of Washington
No classification provided (evidence only). Condition: Breast-ovarian cancer, familial 1. Review status: no classification provided. Collection method: in vitro. Allele origin: not applicable. Functional consequence: functionally_normal.
ClinVar note: "not provided" was previously submitted as the classification for the variant. However, the classification appeared to be based only on an observation of functional data so it was converted to no classification on 2025-07-30.

NM_007294.4(BRCA1):c.5407-5T>A

Gene: BRCA1 (BRCA1 DNA repair associated; minus strand). Cytogenetic location: 17q21.31.
Variant type: single nucleotide variant.
Coding change: c.5407-5T>A on transcript NM_007294.4 (MANE Select); 5 bases into the intron before coding-DNA position 5407, T replaced by A.
Molecular consequence: intron variant.
Genome position (GRCh38, 1-based): chr17:43,047,708, A>T on the plus strand (T>A on the coding strand, the complement: BRCA1 is on the minus strand). VCF-style: chr17-43047708-A-T. GRCh37 (hg19) VCF-style: chr17-41199725-A-T.
Other names: c.1834-5T>A (NM_001408500.1, NM_001408497.1, NM_001408496.1 and 3 more transcripts); c.5143-5T>A (NM_001407921.1, NM_001407926.1, NM_001407924.1 and 4 more transcripts); c.1954-5T>A (NM_001408466.1, NM_001408460.1, NM_001408465.1 and 7 more transcripts); c.1957-5T>A (NM_001408452.1, NM_001408457.1, NM_001408454.1 and 3 more transcripts); c.5260-5T>A (NM_001407850.1, NM_001407844.1, NM_001407851.1 and 12 more transcripts); c.5263-5T>A (NM_001407752.1, NM_001407734.1, NM_001407743.1 and 18 more transcripts); c.5189-5T>A (NM_001407944.1, NM_001407945.1, NM_001407943.1); c.5266-5T>A (NM_001407730.1, NM_001407692.1, NM_001407729.1 and 12 more transcripts); and 83 more.
Identifiers: ClinVar variation 865459 (VCV000865459.3), dbSNP rs2050996749, ClinGen allele CA916080781.